The following is an entry in ClinVar:

NM_003126.4(SPTA1):c.3671G>A (p.Arg1224Gln)

Gene: SPTA1 (spectrin alpha, erythrocytic 1; minus strand). Cytogenetic location: 1q23.1.
Variant type: single nucleotide variant.
Coding change: c.3671G>A on transcript NM_003126.4 (MANE Select); coding-DNA position 3671, G replaced by A.
Protein change: p.Arg1224Gln; replaces arginine 1224 with glutamine.
Molecular consequence: missense variant.
Genome position (GRCh38, 1-based): chr1:158,648,552, C>T on the plus strand (G>A on the coding strand, the complement: SPTA1 is on the minus strand). VCF-style: chr1-158648552-C-T. GRCh37 (hg19) VCF-style: chr1-158618342-C-T.
Other names: p.Arg1224Gln; short protein forms R1224Q.
Identifiers: ClinVar variation 2228298 (VCV002228298.3), dbSNP rs370505272, ClinGen allele CA1182974.

ClinVar aggregate classification (germline): Conflicting classifications of pathogenicity. Review status: criteria provided, conflicting classifications (1 of 4 stars). 2 submissions from 2 submitters: Uncertain significance (1); Likely benign (1). Last evaluated 2025-04-30.

Allele frequency attached by ClinVar (database versions not stated): ESP Exome Variant Server 0.00008; gnomAD 0.00006; TOPMed 0.00007.
gnomAD v4.1: 22 of 1,613,912 alleles (0.0014%); highest among the groups gnomAD compares: African/African-American, 0.011%; no homozygotes.

Submissions (2):

Mayo Clinic Laboratories, Mayo Clinic
Classification: Uncertain significance. Last evaluated: 2025-04-30. Review status: criteria provided, single submitter. Criteria: ACMG Guidelines, 2015. Collection method: clinical testing. Allele origin: germline. Observed: 1 variant allele.
Comment: BP4_moderate, PM2_supporting

Ambry Genetics
Classification: Likely benign. Last evaluated: 2021-08-09. Review status: criteria provided, single submitter. Criteria: Ambry Variant Classification Scheme 2023. Collection method: clinical testing. Allele origin: germline.